The following is an entry in ClinVar:

ClinVar aggregate classification (germline): Uncertain significance (1 of 4 stars; one submission).

Conditions:
Hereditary cancer-predisposing syndrome. Also called: Neoplastic Syndromes, Hereditary; Tumor predisposition; Hereditary Cancer Syndrome; Hereditary neoplastic syndrome. Identifiers: Orphanet 140162, MedGen C0027672, MeSH D009386, MONDO:0015356.

Submission:

Ambry Genetics
Classification: Uncertain significance for Hereditary cancer-predisposing syndrome. Last evaluated: 2026-04-04. Review status: criteria provided, single submitter. Criteria: Ambry Variant Classification Scheme 2023. Collection method: clinical testing. Allele origin: germline.
Comment: The p.F154S variant (also known as c.461T>C), located in coding exon 4 of the TSC1 gene, results from a T to C substitution at nucleotide position 461. The phenylalanine at codon 154 is replaced by serine, an amino acid with highly dissimilar properties. This amino acid position is conserved. In addition, this alteration is predicted to be deleterious by in silico analysis. Based on the available evidence, the clinical significance of this variant remains unclear.

NM_000368.5(TSC1):c.461T>C (p.Phe154Ser)

Gene: TSC1 (TSC complex subunit 1; minus strand). Cytogenetic location: 9q34.13.
Variant type: single nucleotide variant.
Coding change: c.461T>C on transcript NM_000368.5 (MANE Select); coding-DNA position 461, T replaced by C.
Protein change: p.Phe154Ser; replaces phenylalanine 154 with serine.
Molecular consequence: missense variant. On other transcripts: 5 prime UTR variant (5), non-coding transcript variant (5).
Genome position (GRCh38, 1-based): chr9:132,923,395, A>G on the plus strand (T>C on the coding strand, the complement: TSC1 is on the minus strand). VCF-style: chr9-132923395-A-G. GRCh37 (hg19) VCF-style: chr9-135798782-A-G.
Other names: c.461T>C, p.Phe154Ser (NM_001406608.1, NM_001406609.1, NM_001406599.1 and 16 more transcripts); c.308T>C, p.Phe103Ser (NM_001406610.1, NM_001406611.1, NM_001406612.1 and 2 more transcripts); c.98T>C, p.Phe33Ser (NM_001406614.1, NM_001406615.1, NM_001406616.1 and 10 more transcripts); c.-417T>C (NM_001406626.1, NM_001406627.1, NM_001406628.1); c.-559T>C (NM_001406629.1); c.-633T>C (NM_001406630.1); short protein forms F103S, F154S, F33S.
Identifiers: ClinVar variation 4866021 (VCV004866021.1).